The following is an entry in ClinVar:

NM_000059.4(BRCA2):c.6182C>A (p.Ala2061Glu)

Gene: BRCA2 (BRCA2 DNA repair associated; plus strand). Cytogenetic location: 13q13.1.
Variant type: single nucleotide variant.
Coding change: c.6182C>A on transcript NM_000059.4 (MANE Select); coding-DNA position 6182, C replaced by A.
Protein change: p.Ala2061Glu; replaces alanine 2061 with glutamic acid.
Molecular consequence: missense variant.
Genome position (GRCh38, 1-based): chr13:32,340,537, C>A. VCF-style: chr13-32340537-C-A. GRCh37 (hg19) VCF-style: chr13-32914674-C-A.
Other names: c.6182C>A, p.Ala2061Glu (NM_001406719.1, NM_001406720.1); short protein forms A2061E.
Identifiers: ClinVar variation 1752074 (VCV001752074.4), dbSNP rs1566234087, ClinGen allele CA387788402.

ClinVar aggregate classification (germline): Conflicting classifications of pathogenicity. Review status: criteria provided, conflicting classifications (1 of 4 stars). 2 submissions from 2 submitters: Uncertain significance (1); Likely benign (1). Last evaluated 2023-03-23.

Conditions:
Hereditary cancer-predisposing syndrome. Also called: Hereditary Cancer Syndrome; Hereditary neoplastic syndrome; Neoplastic Syndromes, Hereditary; Tumor predisposition. Identifiers: Orphanet 140162, MedGen C0027672, MeSH D009386, MONDO:0015356.

Submissions (2):

University of Washington Department of Laboratory Medicine, University of Washington
Classification: Likely benign for Hereditary cancer-predisposing syndrome. Last evaluated: 2023-03-23. Review status: criteria provided, single submitter. Criteria: Dines et al. (Genet Med. 2020). Collection method: curation. Allele origin: germline.
Comment: Missense variant in a coldspot region where missense variants are very unlikely to be pathogenic (PMID:31911673).

BRCA2 exon 11 coldspot. Reclassification based on statistical prior probability.

Ambry Genetics
Classification: Uncertain significance for Hereditary cancer-predisposing syndrome. Last evaluated: 2021-07-02. Review status: criteria provided, single submitter. Criteria: Ambry Variant Classification Scheme 2023. Collection method: clinical testing. Allele origin: germline.
Comment: The p.A2061E variant (also known as c.6182C>A), located in coding exon 10 of the BRCA2 gene, results from a C to A substitution at nucleotide position 6182. The alanine at codon 2061 is replaced by glutamic acid, an amino acid with dissimilar properties. This amino acid position is highly conserved in available vertebrate species. In addition, this alteration is predicted to be deleterious by in silico analysis. Since supporting evidence is limited at this time, the clinical significance of this alteration remains unclear.